The following is an entry in ClinVar:

ClinVar aggregate classification (germline): Benign/Likely benign. Review status: criteria provided, multiple submitters, no conflicts (2 of 4 stars). 2 submissions from 2 submitters: Benign (1); Likely benign (1). Last evaluated 2025-01-23.

Conditions:
Hereditary cancer-predisposing syndrome. Also called: Neoplastic Syndromes, Hereditary; Tumor predisposition; Hereditary Cancer Syndrome; Hereditary neoplastic syndrome. Identifiers: Orphanet 140162, MedGen C0027672, MeSH D009386, MONDO:0015356.
Lynch syndrome 4 (LYNCH4). Also called: Colorectal cancer, hereditary nonpolyposis, type 4; Hereditary non-polyposis colorectal cancer, type 4. Identifiers: Orphanet 144, MedGen C1838333, MONDO:0013699, OMIM 614337. Disease mechanism: loss of function.

Allele frequency attached by ClinVar (database versions not stated): ExAC 0.00001.

Submissions (2):

Myriad Genetics, Inc.
Classification: Benign for Lynch syndrome 4. Last evaluated: 2025-01-23. Review status: criteria provided, single submitter. Criteria: Myriad Autosomal Dominant, Autosomal Recessive and X-Linked Classification Criteria (2023). Collection method: clinical testing. Allele origin: unknown.
Comment: This variant is considered benign. This variant is a silent/synonymous amino acid change and it is not expected to impact splicing.

Ambry Genetics
Classification: Likely benign for Hereditary cancer-predisposing syndrome. Last evaluated: 2022-10-12. Review status: criteria provided, single submitter. Criteria: Ambry Variant Classification Scheme 2023. Collection method: clinical testing. Allele origin: germline.

NM_000535.7(PMS2):c.36T>C (p.Ala12=)

Gene: PMS2 (PMS1 homolog 2, mismatch repair system component; minus strand). Cytogenetic location: 7p22.1.
Variant type: single nucleotide variant.
Coding change: c.36T>C on transcript NM_000535.7 (MANE Select); coding-DNA position 36, T replaced by C.
Protein change: p.Ala12=; no amino-acid change (alanine 12 retained).
Molecular consequence: synonymous variant. On other transcripts: 5 prime UTR variant (38), non-coding transcript variant (1), intron variant (7).
Genome position (GRCh38, 1-based): chr7:6,006,019, A>G on the plus strand (T>C on the coding strand, the complement: PMS2 is on the minus strand). VCF-style: chr7-6006019-A-G. GRCh37 (hg19) VCF-style: chr7-6045650-A-G.
Other names: c.-370T>C (NM_001018040.1, NM_001322003.2, NM_001322005.2 and 11 more transcripts); c.36T>C, p.Ala12= (NM_001322006.2, NM_001322014.2, NM_001406868.1 and 10 more transcripts); c.-180T>C (NM_001322007.2, NM_001406876.1, NM_001406883.1 and 4 more transcripts); c.-849T>C (NM_001322011.2, NM_001322012.2); c.-449T>C (NM_001322015.2, NM_001406875.1, NM_001406877.1 and 2 more transcripts); c.222T>C, p.Ala74= (NM_001406866.1); c.-396T>C (NM_001406880.1); c.-317T>C (NM_001406888.1, NM_001406889.1, NM_001406892.1 and 5 more transcripts); and 7 more.
Identifiers: ClinVar variation 1734092 (VCV001734092.3), dbSNP rs756195514, ClinGen allele CA049585.